The following is an entry in ClinVar:

ClinVar aggregate classification (germline): Pathogenic (1 of 4 stars; one submission).

Conditions:
Bifunctional peroxisomal enzyme deficiency (DBIF). Also called: DBP DEFICIENCY; D-bifunctional protein deficiency; PBFE DEFICIENCY. Identifiers: Orphanet 300, MedGen C0342870, MONDO:0009855, OMIM 261515. Disease mechanism: loss of function.
Perrault syndrome. Also called: Gonadal dysgenesis with auditory dysfunction, autosomal recessive inheritance. Identifiers: Orphanet 2855, MedGen C0685838, MONDO:0017312.

Submission:

Labcorp Genetics (formerly Invitae), Labcorp
Classification: Pathogenic for Perrault syndrome; Bifunctional peroxisomal enzyme deficiency. Last evaluated: 2020-02-01. Review status: criteria provided, single submitter. Criteria: Invitae Variant Classification Sherloc (09022015). Collection method: clinical testing. Allele origin: germline.
Comment: For these reasons, this variant has been classified as Pathogenic. Loss-of-function variants in HSD17B4 are known to be pathogenic (PMID: 11810648, 16385454). This variant has not been reported in the literature in individuals with HSD17B4-related conditions. This variant is not present in population databases (ExAC no frequency). This sequence change creates a premature translational stop signal (p.Glu641*) in the HSD17B4 gene. It is expected to result in an absent or disrupted protein product.

Literature cited by the submitters: PubMed 11810648; PubMed 16385454.

NM_000414.4(HSD17B4):c.1921G>T (p.Glu641Ter)

Gene: HSD17B4 (hydroxysteroid 17-beta dehydrogenase 4; plus strand). Cytogenetic location: 5q23.1.
Variant type: single nucleotide variant.
Coding change: c.1921G>T on transcript NM_000414.4 (MANE Select); coding-DNA position 1921, G replaced by T.
Protein change: p.Glu641Ter; replaces glutamic acid 641 with a stop codon.
Molecular consequence: nonsense. On other transcripts: non-coding transcript variant (2).
Genome position (GRCh38, 1-based): chr5:119,531,332, G>T. VCF-style: chr5-119531332-G-T. GRCh37 (hg19) VCF-style: chr5-118867027-G-T.
Other names: c.1996G>T, p.Glu666Ter (NM_001199291.3); c.1867G>T, p.Glu623Ter (NM_001199292.2); c.1849G>T, p.Glu617Ter (NM_001292027.2, NM_001374498.1); c.1501G>T, p.Glu501Ter (NM_001292028.2); c.1912G>T, p.Glu638Ter (NM_001374497.1); c.1594G>T, p.Glu532Ter (NM_001374499.1); c.1480G>T, p.Glu494Ter (NM_001374500.1); c.1510G>T, p.Glu504Ter (NM_001374501.1, NM_001374502.1, NM_001374503.1); short protein forms E494*, E501*, E504*, E532*, E617*, E623*, E638*, E641*.
Identifiers: ClinVar variation 1071457 (VCV001071457.7), dbSNP rs1754083341, ClinGen allele CA360871146.